The following is an entry in ClinVar:

ClinVar aggregate classification (germline): Likely benign (1 of 4 stars; one submission).

gnomAD v4.1: 811 of 1,583,154 alleles (0.051%); highest among the groups gnomAD compares: African/African-American, 0.97%; 2 homozygotes.

Submission:

CeGaT Center for Human Genetics Tuebingen
Classification: Likely benign. Last evaluated: 2026-09-01. Review status: criteria provided, single submitter. Criteria: CeGaT Center For Human Genetics Tuebingen Variant Classification Criteria Version 2. Collection method: clinical testing. Allele origin: germline. Affected: yes. Observed: 2 variant alleles.
Comment: ANKRD28: BP4, BP7

NM_001349278.2(ANKRD28):c.1980A>G (p.Ser660=)

Genes: ANKRD28 (ankyrin repeat domain 28; minus strand), BTD (biotinidase; plus strand). Cytogenetic location: 3p25.1.
Variant type: single nucleotide variant.
Coding change: c.1980A>G on transcript NM_001349278.2 (MANE Select); coding-DNA position 1980, A replaced by G.
Protein change: p.Ser660=; no amino-acid change (serine 660 retained).
Molecular consequence: synonymous variant. On other transcripts: non-coding transcript variant (2), intron variant (4).
Genome position (GRCh38, 1-based): chr3:15,686,293, T>C on the plus strand (A>G on the coding strand, the complement: ANKRD28 is on the minus strand). VCF-style: chr3-15686293-T-C. GRCh37 (hg19) VCF-style: chr3-15727800-T-C.
Other names: c.1428A>G, p.Ser476= (NM_001195098.1, NM_001195099.2, NM_001349283.2); c.1989A>G, p.Ser663= (NM_001349277.2); c.1881A>G, p.Ser627= (NM_001349279.2); c.1722A>G, p.Ser574= (NM_001349280.1, NM_001349281.2, NM_001349282.2); c.1890A>G, p.Ser630= (NM_015199.4); c.1016-35477T>C (NM_001370752.1, NM_001407379.1); c.400-24106T>C (NM_001370753.1); c.400-2018T>C (NM_001407400.1).
Identifiers: ClinVar variation 4533837 (VCV004533837.6).